The following is an entry in ClinVar:

ClinVar aggregate classification (germline): Conflicting classifications of pathogenicity. Review status: criteria provided, conflicting classifications (1 of 4 stars). 5 submissions from 5 submitters: Uncertain significance (3); Likely benign (2). Last evaluated 2024-10-25.

Conditions:
Congenital anomalies of kidney and urinary tract 1. Also called: Renal hypodysplasia, nonsyndromic, 1; Congenital anomalies of kidney and urinary tract 1, susceptibility to. Identifiers: MedGen C1835826, MONDO:0012561, OMIM 610805.

Allele frequency attached by ClinVar (database versions not stated): gnomAD 0.00011 and 0.00014; TOPMed 0.00012; ESP Exome Variant Server 0.00015; 1000 Genomes Project 30x 0.00016; 1000 Genomes Project 0.00020; gnomAD exomes 0.00020 and 0.00028; ExAC 0.00030.
gnomAD v4.1: 333 of 1,614,000 alleles (0.021%); highest among the groups gnomAD compares: Middle Eastern, 0.35%; 2 homozygotes.

Submissions (7):

Labcorp Genetics (formerly Invitae), Labcorp
Classification: Uncertain significance. Last evaluated: 2024-10-25. Review status: criteria provided, single submitter. Criteria: Invitae Variant Classification Sherloc (09022015). Collection method: clinical testing. Allele origin: germline.
Comment: This sequence change falls in intron 6 of the DSTYK gene. It does not directly change the encoded amino acid sequence of the DSTYK protein. It affects a nucleotide within the consensus splice site. This variant is present in population databases (rs367692056, gnomAD 0.1%), and has an allele count higher than expected for a pathogenic variant. This variant has not been reported in the literature in individuals affected with DSTYK-related conditions. ClinVar contains an entry for this variant (Variation ID: 224360). Variants that disrupt the consensus splice site are a relatively common cause of aberrant splicing (PMID: 17576681, 9536098). Algorithms developed to predict the effect of sequence changes on RNA splicing suggest that this variant is not likely to affect RNA splicing. In summary, the available evidence is currently insufficient to determine the role of this variant in disease. Therefore, it has been classified as a Variant of Uncertain Significance.

Blueprint Genetics
Classification: Likely benign. Last evaluated: 2024-10-22. Review status: criteria provided, single submitter. Criteria: ACMG Guidelines, 2015. Collection method: clinical testing. Allele origin: germline.

CeGaT Center for Human Genetics Tuebingen
Classification: Likely benign. Last evaluated: 2022-10-01. Review status: criteria provided, single submitter. Criteria: CeGaT Center For Human Genetics Tuebingen Variant Classification Criteria Version 2. Collection method: clinical testing. Allele origin: germline. Affected: yes. Observed: 2 variant alleles.
Comment: DSTYK: BP4

Breakthrough Genomics
Classification: Uncertain significance. Review status: criteria provided, single submitter. Criteria: ACMG Guidelines, 2015. Collection method: not provided. Allele origin: germline. Inheritance: Autosomal recessive inheritance. Affected: yes.

Lupski Lab, Baylor-Hopkins CMG, Baylor College of Medicine
Classification: Uncertain significance for Congenital anomalies of kidney and urinary tract 1. Review status: criteria provided, single submitter. Criteria: Bekheirnia et al. (Genet Med. 2016). Collection method: research. Allele origin: maternal. Inheritance: Autosomal dominant inheritance. Affected: yes. Observed: 1 heterozygote.

Dr. Peter K. Rogan Lab, Western University
No classification provided (evidence only). Condition: Uterine corpus endometrial carcinoma. Review status: no classification provided. Collection method: in vitro. Allele origin: not applicable. Functional consequence: retained intron. Not counted in ClinVar's aggregate classification.

Dr. Peter K. Rogan Lab, Western University
No classification provided (evidence only). Condition: Ovarian serous cystadenocarcinoma. Review status: no classification provided. Collection method: in vitro. Allele origin: not applicable. Functional consequence: retained intron. Not counted in ClinVar's aggregate classification.

Literature cited by the submitters: PubMed 17576681 (cited by Labcorp Genetics (formerly Invitae), Labcorp); PubMed 9536098 (cited by Labcorp Genetics (formerly Invitae), Labcorp).

NM_015375.3(DSTYK):c.1819-3C>T

Gene: DSTYK (dual serine/threonine and tyrosine protein kinase; minus strand). Cytogenetic location: 1q32.1.
Variant type: single nucleotide variant.
Coding change: c.1819-3C>T on transcript NM_015375.3 (MANE Select); 3 bases into the intron before coding-DNA position 1819, C replaced by T.
Molecular consequence: intron variant.
Genome position (GRCh38, 1-based): chr1:205,161,390, G>A on the plus strand (C>T on the coding strand, the complement: DSTYK is on the minus strand). VCF-style: chr1-205161390-G-A. GRCh37 (hg19) VCF-style: chr1-205130518-G-A.
Other names: c.1819-3C>T (NM_199462.3).
Identifiers: ClinVar variation 224360 (VCV000224360.51), dbSNP rs367692056, ClinGen allele CA1352732.